The following is an entry in ClinVar:

NM_006005.3(WFS1):c.1572C>G (p.Phe524Leu)

Gene: WFS1 (wolframin ER transmembrane glycoprotein; plus strand). Cytogenetic location: 4p16.1.
Variant type: single nucleotide variant.
Coding change: c.1572C>G on transcript NM_006005.3 (MANE Select); coding-DNA position 1572, C replaced by G.
Protein change: p.Phe524Leu; replaces phenylalanine 524 with leucine.
Molecular consequence: missense variant.
Genome position (GRCh38, 1-based): chr4:6,301,367, C>G. VCF-style: chr4-6301367-C-G. GRCh37 (hg19) VCF-style: chr4-6303094-C-G.
Other names: c.1572C>G, p.Phe524Leu (NM_001145853.1); short protein forms F524L.
Identifiers: ClinVar variation 450291 (VCV000450291.8), dbSNP rs1553878608, ClinGen allele CA356176030.

ClinVar aggregate classification (germline): Uncertain significance/Uncertain risk allele. Review status: criteria provided, multiple submitters, no conflicts (2 of 4 stars). 3 submissions from 3 submitters: Uncertain significance (2); Uncertain risk allele (1). Last evaluated 2022-06-17.

Conditions:
Wolfram syndrome 1 (WFS1). Identifiers: Orphanet 3463, MedGen C4551693, MONDO:0009101, OMIM 222300.

Allele frequency attached by ClinVar (database versions not stated): gnomAD exomes below 0.00001.

Submissions (3):

Labcorp Genetics (formerly Invitae), Labcorp
Classification: Uncertain significance. Last evaluated: 2022-06-17. Review status: criteria provided, single submitter. Criteria: Invitae Variant Classification Sherloc (09022015). Collection method: clinical testing. Allele origin: germline.
Comment: This sequence change replaces phenylalanine, which is neutral and non-polar, with leucine, which is neutral and non-polar, at codon 524 of the WFS1 protein (p.Phe524Leu). This variant is not present in population databases (gnomAD no frequency). This variant has not been reported in the literature in individuals affected with WFS1-related conditions. ClinVar contains an entry for this variant (Variation ID: 450291). Advanced modeling of protein sequence and biophysical properties (such as structural, functional, and spatial information, amino acid conservation, physicochemical variation, residue mobility, and thermodynamic stability) performed at Invitae indicates that this missense variant is not expected to disrupt WFS1 protein function. In summary, the available evidence is currently insufficient to determine the role of this variant in disease. Therefore, it has been classified as a Variant of Uncertain Significance.

GeneDx
Classification: Uncertain significance. Last evaluated: 2020-03-25. Review status: criteria provided, single submitter. Criteria: GeneDx Variant Classification Process June 2021. Collection method: clinical testing. Allele origin: germline. Affected: yes.
Comment: Not observed in large population cohorts (Lek et al., 2016); In silico analysis supports that this missense variant has a deleterious effect on protein structure/function; Has not been previously published as pathogenic or benign to our knowledge

Clinical Genomics, Uppaluri K&H Personalized Medicine Clinic
Classification: Uncertain risk allele for Wolfram syndrome 1. Review status: criteria provided, single submitter. Criteria: K & H Uppaluri Personalized Medicine Clinic Variant Classification & Assertion Criteria_Updated V.1. Collection method: research. Allele origin: unknown. Inheritance: Autosomal recessive inheritance.
Comment: Potent mutations in WFS1 gene are associated with Wolfram's syndrome, an autosomal recessive condition, which cause diabetes mellitus, diabetes insipidus, deafness and optic atrophy. However no sufficient evidence is found to ascertain the role of this particular variant rs1553878608 in Wolfram's syndrome yet.

Literature cited by the submitters: PubMed 20738327 (cited by Clinical Genomics, Uppaluri K&H Personalized Medicine Clinic); PubMed 33879153 (cited by Clinical Genomics, Uppaluri K&H Personalized Medicine Clinic); PubMed 12955714 (cited by Clinical Genomics, Uppaluri K&H Personalized Medicine Clinic); PubMed 18060660 (cited by Clinical Genomics, Uppaluri K&H Personalized Medicine Clinic); PubMed 20301750 (cited by Clinical Genomics, Uppaluri K&H Personalized Medicine Clinic); PubMed 17603484 (cited by Clinical Genomics, Uppaluri K&H Personalized Medicine Clinic).